The following is an entry in ClinVar:

NM_000465.4(BARD1):c.799A>C (p.Thr267Pro)

Gene: BARD1 (BRCA1 associated RING domain 1; minus strand). Cytogenetic location: 2q35.
Variant type: single nucleotide variant.
Coding change: c.799A>C on transcript NM_000465.4 (MANE Select); coding-DNA position 799, A replaced by C.
Protein change: p.Thr267Pro; replaces threonine 267 with proline.
Molecular consequence: missense variant. On other transcripts: intron variant (3), non-coding transcript variant (2).
Genome position (GRCh38, 1-based): chr2:214,781,075, T>G on the plus strand (A>C on the coding strand, the complement: BARD1 is on the minus strand). VCF-style: chr2-214781075-T-G. GRCh37 (hg19) VCF-style: chr2-215645799-T-G.
Other names: c.364+11222A>C (NM_001282549.2); c.742A>C, p.Thr248Pro (NM_001282543.2); c.158+28337A>C (NM_001282548.2); c.215+15986A>C (NM_001282545.2); short protein forms T248P, T267P.
Identifiers: ClinVar variation 3260441 (VCV003260441.1).

ClinVar aggregate classification (germline): Uncertain significance (1 of 4 stars; one submission).

Conditions:
Hereditary cancer-predisposing syndrome. Also called: Hereditary Cancer Syndrome; Tumor predisposition; Hereditary neoplastic syndrome; Neoplastic Syndromes, Hereditary. Identifiers: Orphanet 140162, MedGen C0027672, MeSH D009386, MONDO:0015356.

Submission:

Ambry Genetics
Classification: Uncertain significance for Hereditary cancer-predisposing syndrome. Last evaluated: 2024-05-08. Review status: criteria provided, single submitter. Criteria: Ambry Variant Classification Scheme 2023. Collection method: clinical testing. Allele origin: germline.
Comment: The p.T267P variant (also known as c.799A>C), located in coding exon 4 of the BARD1 gene, results from an A to C substitution at nucleotide position 799. The threonine at codon 267 is replaced by proline, an amino acid with highly similar properties. This amino acid position is conserved. In addition, this alteration is predicted to be tolerated by in silico analysis. Based on the available evidence, the clinical significance of this variant remains unclear.